The following is an entry in ClinVar:

NM_001035.3(RYR2):c.11150A>G (p.Lys3717Arg)

Gene: RYR2 (ryanodine receptor 2; plus strand). Cytogenetic location: 1q43.
Variant type: single nucleotide variant.
Coding change: c.11150A>G on transcript NM_001035.3 (MANE Select); coding-DNA position 11150, A replaced by G.
Protein change: p.Lys3717Arg; replaces lysine 3717 with arginine.
Molecular consequence: missense variant.
Genome position (GRCh38, 1-based): chr1:237,756,292, A>G. VCF-style: chr1-237756292-A-G. GRCh37 (hg19) VCF-style: chr1-237919592-A-G.
Other names: c.11150A>G, p.Lys3717Arg (LRG_402t1); short protein forms K3717R.
Identifiers: ClinVar variation 404189 (VCV000404189.14), dbSNP rs1060500141, ClinGen allele CA16610051.
Genomic context (GRCh38, chr1:237,756,292, plus strand): 5'-GAAATCTGTTGTGCTTACTGATACCCTCAACATAAATGGTTGGGATTTGTGTTCAGGAAA[A>G]AGAAATGGAAAAGCAAAAGCTTCTATACCAGCAAGCCCGACTCCACGATCGTGGCGCGGC-3'
Protein context (NP_001026.2, residues 3707-3727): GEEEVKSFEE[Lys3717Arg]EMEKQKLLYQ

ClinVar aggregate classification (germline): Uncertain significance. Review status: criteria provided, multiple submitters, no conflicts (2 of 4 stars). 2 submissions from 2 submitters: Uncertain significance (2). Last evaluated 2017-11-30.

Conditions:
Cardiovascular phenotype. Identifiers: MedGen CN230736.
Catecholaminergic polymorphic ventricular tachycardia 1. Also called: VENTRICULAR TACHYCARDIA, CATECHOLAMINERGIC POLYMORPHIC, 1, WITH OR WITHOUT ATRIAL DYSFUNCTION AND/OR DILATED CARDIOMYOPATHY; RYR2-Related Catecholaminergic Polymorphic Ventricular Tachycardia; VENTRICULAR TACHYCARDIA, STRESS-INDUCED POLYMORPHIC 1. Identifiers: Orphanet 3286, MedGen C1631597, MONDO:0011484, OMIM 604772.

Submissions (2):

Ambry Genetics
Classification: Uncertain significance for Cardiovascular phenotype. Last evaluated: 2017-11-30. Review status: criteria provided, single submitter. Criteria: Ambry Variant Classification Scheme 2023. Collection method: clinical testing. Allele origin: germline.
Comment: The p.K3717R variant (also known as c.11150A>G), located in coding exon 81 of the RYR2 gene, results from an A to G substitution at nucleotide position 11150. The lysine at codon 3717 is replaced by arginine, an amino acid with highly similar properties. This amino acid position is highly conserved in available vertebrate species. In addition, this alteration is predicted to be deleterious by in silico analysis. Since supporting evidence is limited at this time, the clinical significance of this alteration remains unclear.

Labcorp Genetics (formerly Invitae), Labcorp
Classification: Uncertain significance for Catecholaminergic polymorphic ventricular tachycardia 1. Last evaluated: 2016-07-15. Review status: criteria provided, single submitter. Criteria: Invitae Variant Classification Sherloc (09022015). Collection method: clinical testing. Allele origin: germline.
Comment: In summary, this variant is a novel missense change with uncertain impact on protein function. It has been classified as a Variant of Uncertain Significance. Algorithms developed to predict the effect of missense changes on protein structure and function do not agree on the potential impact of this missense change (SIFT: "Deleterious"; PolyPhen-2: "Probably Damaging"; Align-GVGD: "Class C0"). This variant is not present in population databases (ExAC no frequency) and has not been reported in the literature in individuals with a RYR2-related disease. This sequence change replaces lysine with arginine at codon 3717 of the RYR2 protein (p.Lys3717Arg). The lysine residue is highly conserved and there is a small physicochemical difference between lysine and arginine. This variant does not occur within one of the three regions of the RYR2 gene (N-terminal domain, central domain, or channel region) where other pathogenic variants have been reported to cluster (PMID: 19926015)

Literature cited by the submitters: PubMed 19926015 (cited by Labcorp Genetics (formerly Invitae), Labcorp).